The following is an entry in ClinVar:

NM_001851.6(COL9A1):c.1091G>A (p.Gly364Asp)

Gene: COL9A1 (collagen type IX alpha 1 chain; minus strand). Cytogenetic location: 6q13.
Variant type: single nucleotide variant.
Coding change: c.1091G>A on transcript NM_001851.6 (MANE Select); coding-DNA position 1091, G replaced by A.
Protein change: p.Gly364Asp; replaces glycine 364 with aspartic acid.
Molecular consequence: missense variant. On other transcripts: non-coding transcript variant (1).
Genome position (GRCh38, 1-based): chr6:70,271,707, C>T on the plus strand (G>A on the coding strand, the complement: COL9A1 is on the minus strand). VCF-style: chr6-70271707-C-T. GRCh37 (hg19) VCF-style: chr6-70981410-C-T.
Other names: c.362G>A, p.Gly121Asp (NM_001377289.1, NM_001377290.1, NM_078485.4); short protein forms G121D, G364D.
Identifiers: ClinVar variation 2135437 (VCV002135437.3), dbSNP rs201675222, ClinGen allele CA364682396.

ClinVar aggregate classification (germline): Uncertain significance (1 of 4 stars; one submission).

gnomAD v4.1: 1 of 1,613,650 alleles (0.000062%); highest among the groups gnomAD compares: Non-Finnish European, 0.000085%; no homozygotes.

Submission:

Labcorp Genetics (formerly Invitae), Labcorp
Classification: Uncertain significance. Last evaluated: 2022-08-09. Review status: criteria provided, single submitter. Criteria: Invitae Variant Classification Sherloc (09022015). Collection method: clinical testing. Allele origin: germline.
Comment: In summary, the available evidence is currently insufficient to determine the role of this variant in disease. Therefore, it has been classified as a Variant of Uncertain Significance. Algorithms developed to predict the effect of missense changes on protein structure and function (SIFT, PolyPhen-2, Align-GVGD) all suggest that this variant is likely to be disruptive. This variant has not been reported in the literature in individuals affected with COL9A1-related conditions. This variant is not present in population databases (gnomAD no frequency). This sequence change replaces glycine, which is neutral and non-polar, with aspartic acid, which is acidic and polar, at codon 364 of the COL9A1 protein (p.Gly364Asp).